The following is an entry in ClinVar:

ClinVar aggregate classification (germline): Conflicting classifications of pathogenicity. Review status: criteria provided, conflicting classifications (1 of 4 stars). 3 submissions from 3 submitters: Uncertain significance (1); Likely benign (2). Last evaluated 2024-05-10.

Conditions:
Ataxia-telangiectasia syndrome (AT). Also called: ATAXIA-TELANGIECTASIA, COMPLEMENTATION GROUP A; ATAXIA-TELANGIECTASIA, FRESNO VARIANT; LOUIS-BAR SYNDROME; Ataxia telangiectasia (A-T); Cerebello-oculocutaneous telangiectasia; Immunodeficiency with ataxia telangiectasia. Identifiers: Orphanet 100, MedGen C0004135, MONDO:0008840, OMIM 208900.
Familial cancer of breast. Also called: BREAST CANCER, FAMILIAL; Hereditary breast cancer; hereditary breast carcinoma. Identifiers: Orphanet 227535, MedGen C0346153, MONDO:0016419, OMIM 114480. Disease mechanism: loss of function.
Hereditary cancer-predisposing syndrome. Also called: Tumor predisposition; Neoplastic Syndromes, Hereditary; Hereditary Cancer Syndrome; Hereditary neoplastic syndrome. Identifiers: Orphanet 140162, MedGen C0027672, MeSH D009386, MONDO:0015356.

Allele frequency attached by ClinVar (database versions not stated): gnomAD exomes below 0.00001 and 0.00001.
gnomAD v4.1: 5 of 1,612,108 alleles (0.00031%); highest among the groups gnomAD compares: Non-Finnish European, 0.00042%; no homozygotes.

Submissions (3):

Myriad Genetics, Inc.
Classification: Likely benign for Familial cancer of breast. Last evaluated: 2024-05-10. Review status: criteria provided, single submitter. Criteria: Myriad Autosomal Dominant, Autosomal Recessive and X-Linked Classification Criteria (2023). Collection method: clinical testing. Allele origin: unknown.
Comment: This variant is considered likely benign. This variant is intronic and is not expected to impact mRNA splicing.

Labcorp Genetics (formerly Invitae), Labcorp
Classification: Likely benign for Ataxia-telangiectasia syndrome. Last evaluated: 2020-07-30. Review status: criteria provided, single submitter. Criteria: Invitae Variant Classification Sherloc (09022015). Collection method: clinical testing. Allele origin: germline.

Color Diagnostics, LLC DBA Color Health
Classification: Uncertain significance for Hereditary cancer-predisposing syndrome. Last evaluated: 2018-11-14. Review status: criteria provided, single submitter. Criteria: ACMG Guidelines, 2015. Collection method: clinical testing. Allele origin: germline.

NM_000051.4(ATM):c.2839-6T>C

Gene: ATM (ATM serine/threonine kinase; plus strand). Cytogenetic location: 11q22.3.
Variant type: single nucleotide variant.
Coding change: c.2839-6T>C on transcript NM_000051.4 (MANE Select); 6 bases into the intron before coding-DNA position 2839, T replaced by C.
Molecular consequence: intron variant.
Genome position (GRCh38, 1-based): chr11:108,271,058, T>C. VCF-style: chr11-108271058-T-C. GRCh37 (hg19) VCF-style: chr11-108141785-T-C.
Other names: c.2839-6T>C (NM_001351834.2).
Identifiers: ClinVar variation 628346 (VCV000628346.13), dbSNP rs1338486619, ClinGen allele CA602132591.